The following is an entry in ClinVar:

NM_001371986.1(UNC80):c.1346G>T (p.Arg449Leu)

Gene: UNC80 (unc-80 subunit of NALCN channel complex; plus strand). Cytogenetic location: 2q34.
Variant type: single nucleotide variant.
Coding change: c.1346G>T on transcript NM_001371986.1 (MANE Select); coding-DNA position 1346, G replaced by T.
Protein change: p.Arg449Leu; replaces arginine 449 with leucine.
Molecular consequence: missense variant.
Genome position (GRCh38, 1-based): chr2:209,816,919, G>T. VCF-style: chr2-209816919-G-T. GRCh37 (hg19) VCF-style: chr2-210681643-G-T.
Other names: c.1346G>T, p.Arg449Leu (NM_032504.2, NM_182587.4); short protein forms R449L.
Identifiers: ClinVar variation 1423160 (VCV001423160.7), dbSNP rs867853653, ClinGen allele CA350134405.
Genomic context (GRCh38, chr2:209,816,919, plus strand): 5'-GTAACCTTTTCTTTGCCCTGTGCCTAATTCTACACCTCTCATCACTGTAGTTCAAGAGCC[G>T]CAAAGAAGACCGAGAGAGGAAAGGCTCCATTCCATTCCACCACACAGGCAAGAGGAGGCC-3'
Protein context (NP_001358915.1, residues 439-459): GMNIFKKFKS[Arg449Leu]KEDRERKGSI

ClinVar aggregate classification (germline): Uncertain significance. Review status: criteria provided, multiple submitters, no conflicts (2 of 4 stars). 2 submissions from 2 submitters: Uncertain significance (2). Last evaluated 2024-05-24.

gnomAD v4.1: 47 of 1,551,476 alleles (0.003%); highest among the groups gnomAD compares: Non-Finnish European, 0.0038%; 1 homozygote.

Submissions (2):

Blueprint Genetics
Classification: Uncertain significance. Last evaluated: 2024-05-24. Review status: criteria provided, single submitter. Criteria: ACMG Guidelines, 2015. Collection method: clinical testing. Allele origin: germline.

Labcorp Genetics (formerly Invitae), Labcorp
Classification: Uncertain significance. Last evaluated: 2021-12-02. Review status: criteria provided, single submitter. Criteria: Invitae Variant Classification Sherloc (09022015). Collection method: clinical testing. Allele origin: germline.
Comment: In summary, the available evidence is currently insufficient to determine the role of this variant in disease. Therefore, it has been classified as a Variant of Uncertain Significance. Algorithms developed to predict the effect of missense changes on protein structure and function are either unavailable or do not agree on the potential impact of this missense change (SIFT: "Not Available"; PolyPhen-2: "Possibly Damaging"; Align-GVGD: "Not Available"). This variant has not been reported in the literature in individuals affected with UNC80-related conditions. This variant is present in population databases (no rsID available, gnomAD 0.007%). This sequence change replaces arginine with leucine at codon 449 of the UNC80 protein (p.Arg449Leu). The arginine residue is weakly conserved and there is a moderate physicochemical difference between arginine and leucine.